The following is an entry in ClinVar:

ClinVar aggregate classification (germline): Uncertain significance (1 of 4 stars; one submission).

gnomAD v4.1: 8 of 1,508,124 alleles (0.00053%); highest among the groups gnomAD compares: South Asian, 0.0074%; no homozygotes.

Submission:

Labcorp Genetics (formerly Invitae), Labcorp
Classification: Uncertain significance. Last evaluated: 2024-10-23. Review status: criteria provided, single submitter. Criteria: Invitae Variant Classification Sherloc (09022015). Collection method: clinical testing. Allele origin: germline.
Comment: This sequence change replaces arginine, which is basic and polar, with histidine, which is basic and polar, at codon 494 of the FSCN2 protein (p.Arg494His). This variant is present in population databases (no rsID available, gnomAD 0.007%). This variant has not been reported in the literature in individuals affected with FSCN2-related conditions. An algorithm developed to predict the effect of missense changes on protein structure and function (PolyPhen-2) suggests that this variant is likely to be tolerated. In summary, the available evidence is currently insufficient to determine the role of this variant in disease. Therefore, it has been classified as a Variant of Uncertain Significance.

NM_012418.4(FSCN2):c.1409G>A (p.Arg470His)

Gene: FSCN2 (fascin actin-bundling protein 2, retinal; plus strand). Cytogenetic location: 17q25.3.
Variant type: single nucleotide variant.
Coding change: c.1409G>A on transcript NM_012418.4 (MANE Select); coding-DNA position 1409, G replaced by A.
Protein change: p.Arg470His; replaces arginine 470 with histidine.
Molecular consequence: missense variant.
Genome position (GRCh38, 1-based): chr17:81,537,010, G>A. VCF-style: chr17-81537010-G-A. GRCh37 (hg19) VCF-style: chr17-79504036-G-A.
Other names: c.1481G>A, p.Arg494His (NM_001077182.3); short protein forms R470H, R494H.
Identifiers: ClinVar variation 3606289 (VCV003606289.2).